The following is an entry in ClinVar:

ClinVar aggregate classification (germline): Conflicting classifications of pathogenicity. Review status: criteria provided, conflicting classifications (1 of 4 stars). 2 submissions from 2 submitters: Uncertain significance (1); Likely benign (1). Last evaluated 2025-08-08.

Conditions:
Developmental and epileptic encephalopathy, 9 (DEE9). Also called: Early infantile epileptic encephalopathy 9; EPILEPSY, FEMALE-RESTRICTED, WITH MENTAL RETARDATION; JUBERG-HELLMAN SYNDROME; PCDH19-Related X-Linked Female-Limited Epilepsy with Mental Retardation. Identifiers: Orphanet 101039, Orphanet 2076, MedGen C1848137, MONDO:0010246, OMIM 300088. Disease mechanism: loss of function.

gnomAD v4.1: 3 of 1,211,685 alleles (0.00025%); highest among the groups gnomAD compares: Non-Finnish European, 0.00034%; no homozygotes.

Submissions (2):

Labcorp Genetics (formerly Invitae), Labcorp
Classification: Uncertain significance for Developmental and epileptic encephalopathy, 9. Last evaluated: 2025-08-08. Review status: criteria provided, single submitter. Criteria: Invitae Variant Classification Sherloc (09022015). Collection method: clinical testing. Allele origin: germline.
Comment: This sequence change replaces glycine, which is neutral and non-polar, with tryptophan, which is neutral and slightly polar, at codon 631 of the PCDH19 protein (p.Gly631Trp). The frequency data for this variant in the population databases is considered unreliable, as metrics indicate poor data quality at this position in the gnomAD database. This variant has not been reported in the literature in individuals affected with PCDH19-related conditions. ClinVar contains an entry for this variant (Variation ID: 1299201). Invitae Evidence Modeling of protein sequence and biophysical properties (such as structural, functional, and spatial information, amino acid conservation, physicochemical variation, residue mobility, and thermodynamic stability) indicates that this missense variant is not expected to disrupt PCDH19 protein function with a negative predictive value of 95%. In summary, the available evidence is currently insufficient to determine the role of this variant in disease. Therefore, it has been classified as a Variant of Uncertain Significance.

CeGaT Center for Human Genetics Tuebingen
Classification: Likely benign. Last evaluated: 2023-12-01. Review status: criteria provided, single submitter. Criteria: CeGaT Center For Human Genetics Tuebingen Variant Classification Criteria Version 2. Collection method: clinical testing. Allele origin: germline. Affected: yes. Observed: 2 variant alleles.
Comment: PCDH19: PM1, PM2:Supporting, BP4, BS2

NM_001184880.2(PCDH19):c.1891G>T (p.Gly631Trp)

Gene: PCDH19 (protocadherin 19; minus strand). Cytogenetic location: Xq22.1.
Variant type: single nucleotide variant.
Coding change: c.1891G>T on transcript NM_001184880.2 (MANE Select); coding-DNA position 1891, G replaced by T.
Protein change: p.Gly631Trp; replaces glycine 631 with tryptophan.
Molecular consequence: missense variant.
Genome position (GRCh38, 1-based): chrX:100,406,707, C>A on the plus strand (G>T on the coding strand, the complement: PCDH19 is on the minus strand). VCF-style: chrX-100406707-C-A. GRCh37 (hg19) VCF-style: chrX-99661705-C-A.
Other names: c.1891G>T, p.Gly631Trp (NM_001105243.2, NM_020766.3); short protein forms G631W.
Identifiers: ClinVar variation 1299201 (VCV001299201.39), dbSNP rs750599959, ClinGen allele CA10468836.